The following is an entry in ClinVar:

NM_006531.5(IFT88):c.1529C>G (p.Ala510Gly)

Gene: IFT88 (intraflagellar transport 88; plus strand). Cytogenetic location: 13q12.11.
Variant type: single nucleotide variant.
Coding change: c.1529C>G on transcript NM_006531.5 (MANE Select); coding-DNA position 1529, C replaced by G.
Protein change: p.Ala510Gly; replaces alanine 510 with glycine.
Molecular consequence: missense variant. On other transcripts: non-coding transcript variant (4).
Genome position (GRCh38, 1-based): chr13:20,638,474, C>G. VCF-style: chr13-20638474-C-G. GRCh37 (hg19) VCF-style: chr13-21212613-C-G.
Other names: c.1472C>G, p.Ala491Gly (NM_001318491.2, NM_001353575.2); c.1556C>G, p.Ala519Gly (NM_001318493.2, NM_001353565.2, NM_001353566.2 and 2 more transcripts); c.1529C>G, p.Ala510Gly (NM_001353568.2, NM_001353572.2); c.1454C>G, p.Ala485Gly (NM_001353569.2, NM_001353570.2, NM_001353576.2 and 1 more transcripts); c.1427C>G, p.Ala476Gly (NM_001353571.2, NM_001353578.2); c.1385C>G, p.Ala462Gly (NM_001353573.2); c.1370C>G, p.Ala457Gly (NM_001353574.2); c.896C>G, p.Ala299Gly (NM_001353579.2); short protein forms A457G, A462G, A485G, A299G, A491G, A510G, A519G, A476G.
Identifiers: ClinVar variation 2103321 (VCV002103321.4), dbSNP rs2548528252, ClinGen allele CA387473484.
Genomic context (GRCh38, chr13:20,638,474, plus strand): 5'-AAGGGAATACAGTTTTTGCAAATGGTGATTATGAGAAGGCCGCTGAATTCTATAAAGAGG[C>G]TCTAAGAAATGATTCTTCTTGTACTGAAGCACTTTATAATATTGGTAAGTGAAACAAGGG-3'
Protein context (NP_006522.2, residues 500-520): YEKAAEFYKE[Ala510Gly]LRNDSSCTEA

ClinVar aggregate classification (germline): Uncertain significance (1 of 4 stars; one submission).

Submission:

Labcorp Genetics (formerly Invitae), Labcorp
Classification: Uncertain significance. Last evaluated: 2022-02-25. Review status: criteria provided, single submitter. Criteria: Invitae Variant Classification Sherloc (09022015). Collection method: clinical testing. Allele origin: germline.
Comment: In summary, the available evidence is currently insufficient to determine the role of this variant in disease. Therefore, it has been classified as a Variant of Uncertain Significance. Algorithms developed to predict the effect of missense changes on protein structure and function are either unavailable or do not agree on the potential impact of this missense change (SIFT: "Not Available"; PolyPhen-2: "Probably Damaging"; Align-GVGD: "Not Available"). This variant has not been reported in the literature in individuals affected with IFT88-related conditions. This variant is not present in population databases (gnomAD no frequency). This sequence change replaces alanine, which is neutral and non-polar, with glycine, which is neutral and non-polar, at codon 519 of the IFT88 protein (p.Ala519Gly).